The following is an entry in ClinVar:

ClinVar aggregate classification (germline): Uncertain significance (1 of 4 stars; one submission).

Allele frequency attached by ClinVar (database versions not stated): gnomAD exomes 0.00001; TOPMed 0.00001.
gnomAD v4.1: 10 of 1,611,726 alleles (0.00062%); highest among the groups gnomAD compares: Non-Finnish European, 0.00076%; no homozygotes.

Submission:

Labcorp Genetics (formerly Invitae), Labcorp
Classification: Uncertain significance. Last evaluated: 2022-06-21. Review status: criteria provided, single submitter. Criteria: Invitae Variant Classification Sherloc (09022015). Collection method: clinical testing. Allele origin: germline.
Comment: This sequence change replaces glutamic acid, which is acidic and polar, with alanine, which is neutral and non-polar, at codon 1802 of the MCM3AP protein (p.Glu1802Ala). This variant is not present in population databases (gnomAD no frequency). This variant has not been reported in the literature in individuals affected with MCM3AP-related conditions. Algorithms developed to predict the effect of missense changes on protein structure and function output the following: SIFT: "Deleterious"; PolyPhen-2: "Benign"; Align-GVGD: "Class C25". The alanine amino acid residue is found in multiple mammalian species, which suggests that this missense change does not adversely affect protein function. In summary, the available evidence is currently insufficient to determine the role of this variant in disease. Therefore, it has been classified as a Variant of Uncertain Significance.

NM_003906.5(MCM3AP):c.5405A>C (p.Glu1802Ala)

Genes: MCM3AP (minichromosome maintenance complex component 3 associated protein; minus strand), MCM3AP-AS1 (MCM3AP antisense RNA 1; plus strand). Cytogenetic location: 21q22.3.
Variant type: single nucleotide variant.
Coding change: c.5405A>C on transcript NM_003906.5 (MANE Select); coding-DNA position 5405, A replaced by C.
Protein change: p.Glu1802Ala; replaces glutamic acid 1802 with alanine.
Molecular consequence: missense variant. On other transcripts: non-coding transcript variant (2).
Genome position (GRCh38, 1-based): chr21:46,242,823, T>G on the plus strand (A>C on the coding strand, the complement: MCM3AP is on the minus strand). VCF-style: chr21-46242823-T-G. GRCh37 (hg19) VCF-style: chr21-47662737-T-G.
Other names: short protein forms E1802A.
Identifiers: ClinVar variation 1915607 (VCV001915607.2), dbSNP rs2080691881, ClinGen allele CA410538623.